The following is an entry in ClinVar:

NM_006939.4(SOS2):c.803C>G (p.Thr268Ser)

Gene: SOS2 (SOS Ras/Rho guanine nucleotide exchange factor 2; minus strand). Cytogenetic location: 14q21.3.
Variant type: single nucleotide variant.
Coding change: c.803C>G on transcript NM_006939.4 (MANE Select); coding-DNA position 803, C replaced by G.
Protein change: p.Thr268Ser; replaces threonine 268 with serine.
Molecular consequence: missense variant.
Genome position (GRCh38, 1-based): chr14:50,182,518, G>C on the plus strand (C>G on the coding strand, the complement: SOS2 is on the minus strand). VCF-style: chr14-50182518-G-C. GRCh37 (hg19) VCF-style: chr14-50649236-G-C.
Other names: c.803C>G, p.Thr268Ser (NM_001411020.1); short protein forms T268S.
Identifiers: ClinVar variation 3900201 (VCV003900201.1).

ClinVar aggregate classification (germline): Uncertain significance (1 of 4 stars; one submission).

gnomAD v4.1: 1 of 1,613,476 alleles (0.000062%); highest among the groups gnomAD compares: Non-Finnish European, 0.000085%; no homozygotes.

Submission:

GeneDx
Classification: Uncertain significance. Last evaluated: 2024-11-26. Review status: criteria provided, single submitter. Criteria: GeneDx Variant Classification Process June 2021. Collection method: clinical testing. Allele origin: germline. Affected: yes.
Comment: Not observed at significant frequency in large population cohorts (gnomAD); In silico analysis indicates that this missense variant does not alter protein structure/function; Has not been previously published as pathogenic or benign to our knowledge